The following is an entry in ClinVar:

NM_001130144.3(LTBP3):c.3641C>T (p.Ser1214Leu)

Gene: LTBP3 (latent transforming growth factor beta binding protein 3; minus strand). Cytogenetic location: 11q13.1.
Variant type: single nucleotide variant.
Coding change: c.3641C>T on transcript NM_001130144.3 (MANE Select); coding-DNA position 3641, C replaced by T.
Protein change: p.Ser1214Leu; replaces serine 1214 with leucine.
Molecular consequence: missense variant.
Genome position (GRCh38, 1-based): chr11:65,539,447, G>A on the plus strand (C>T on the coding strand, the complement: LTBP3 is on the minus strand). VCF-style: chr11-65539447-G-A. GRCh37 (hg19) VCF-style: chr11-65306918-G-A.
Other names: c.3149C>T, p.Ser1050Leu (NM_001164266.1); c.3500C>T, p.Ser1167Leu (NM_021070.4); short protein forms S1050L, S1167L, S1214L.
Identifiers: ClinVar variation 4101321 (VCV004101321.1).
Genomic context (GRCh38, chr11:65,539,447, plus strand): 5'-CCGCCCGGCCGCGGCACGCAGCGGCCACTCACGCAGCGACACTCGTCTGAATCCTCCTCT[G>A]AACTGTCCTCATCTGCGTGGCCCGGAACAATATGGACTTCAACACTGAGCCCCGGCCAAA-3'
Protein context (NP_001123616.1, residues 1204-1224): LGKPPRDEDS[Ser1214Leu]EEDSDECRCV

ClinVar aggregate classification (germline): Uncertain significance (1 of 4 stars; one submission).

Conditions:
Inborn genetic diseases. Identifiers: MedGen C0950123, MeSH D030342.

gnomAD v4.1: 3 of 1,562,190 alleles (0.00019%); highest among the groups gnomAD compares: Non-Finnish European, 0.00026%; no homozygotes.

Submission:

Ambry Genetics
Classification: Uncertain significance for Inborn genetic diseases. Last evaluated: 2025-08-30. Review status: criteria provided, single submitter. Criteria: Ambry Variant Classification Scheme 2023. Collection method: clinical testing. Allele origin: germline.
Comment: The p.S1214L variant (also known as c.3641C>T), located in coding exon 27 of the LTBP3 gene, results from a C to T substitution at nucleotide position 3641. The serine at codon 1214 is replaced by leucine, an amino acid with dissimilar properties. This amino acid position is conserved. In addition, the in silico prediction for this alteration is inconclusive. Based on the available evidence, the clinical significance of this variant remains unclear.